The following is an entry in ClinVar:

ClinVar aggregate classification (germline): Uncertain significance (1 of 4 stars; one submission).

Submission:

GeneDx
Classification: Uncertain significance. Last evaluated: 2023-01-05. Review status: criteria provided, single submitter. Criteria: GeneDx Variant Classification Process June 2021. Collection method: clinical testing. Allele origin: germline. Affected: yes.
Comment: Not observed at significant frequency in large population cohorts (gnomAD); In silico analysis supports that this missense variant does not alter protein structure/function; Has not been previously published as pathogenic or benign to our knowledge

NM_021098.3(CACNA1H):c.6548G>A (p.Arg2183Lys)

Gene: CACNA1H (calcium voltage-gated channel subunit alpha1 H; plus strand). Cytogenetic location: 16p13.3.
Variant type: single nucleotide variant.
Coding change: c.6548G>A on transcript NM_021098.3 (MANE Select); coding-DNA position 6548, G replaced by A.
Protein change: p.Arg2183Lys; replaces arginine 2183 with lysine.
Molecular consequence: missense variant.
Genome position (GRCh38, 1-based): chr16:1,220,480, G>A. VCF-style: chr16-1220480-G-A. GRCh37 (hg19) VCF-style: chr16-1270480-G-A.
Other names: c.6530G>A, p.Arg2177Lys (NM_001005407.2); short protein forms R2177K, R2183K.
Identifiers: ClinVar variation 2571815 (VCV002571815.1), dbSNP rs1596481117, ClinGen allele CA394149932.
Genomic context (GRCh38, chr16:1,220,480, plus strand): 5'-GGGAGCCTGGGGAGGCGAAGGCCTGGGGCCCTGAGGCCGAGCCCGCTCTGGGTGCGCGCA[G>A]AAAGAAGAAGATGAGCCCCCCCTGCATCTCGGTGGAACCCCCTGCGGAGGACGAGGGCTC-3'
Protein context (NP_066921.2, residues 2173-2193): PEAEPALGAR[Arg2183Lys]KKKMSPPCIS